The following is an entry in ClinVar:

NM_006767.4(LZTR1):c.287T>C (p.Leu96Pro)

Gene: LZTR1 (leucine zipper like post translational regulator 1; plus strand). Cytogenetic location: 22q11.21.
Variant type: single nucleotide variant.
Coding change: c.287T>C on transcript NM_006767.4 (MANE Select); coding-DNA position 287, T replaced by C.
Protein change: p.Leu96Pro; replaces leucine 96 with proline.
Molecular consequence: missense variant.
Genome position (GRCh38, 1-based): chr22:20,985,864, T>C. VCF-style: chr22-20985864-T-C. GRCh37 (hg19) VCF-style: chr22-21340153-T-C.
Other names: c.287T>C (NM_006767.3); short protein forms L96P.
Identifiers: ClinVar variation 3713699 (VCV003713699.3).

ClinVar aggregate classification (germline): Uncertain significance. Review status: criteria provided, multiple submitters, no conflicts (2 of 4 stars). 2 submissions from 2 submitters: Uncertain significance (2). Last evaluated 2025-09-05.

Conditions:
Hereditary cancer-predisposing syndrome. Also called: Hereditary neoplastic syndrome; Neoplastic Syndromes, Hereditary; Hereditary Cancer Syndrome; Tumor predisposition. Identifiers: Orphanet 140162, MedGen C0027672, MeSH D009386, MONDO:0015356.
Cardiovascular phenotype. Identifiers: MedGen CN230736.

Submissions (2):

Labcorp Genetics (formerly Invitae), Labcorp
Classification: Uncertain significance. Last evaluated: 2025-09-05. Review status: criteria provided, single submitter. Criteria: Invitae Variant Classification Sherloc (09022015). Collection method: clinical testing. Allele origin: germline.
Comment: This sequence change replaces leucine, which is neutral and non-polar, with proline, which is neutral and non-polar, at codon 96 of the LZTR1 protein (p.Leu96Pro). This variant is not present in population databases (gnomAD no frequency). This variant has not been reported in the literature in individuals affected with LZTR1-related conditions. ClinVar contains an entry for this variant (Variation ID: 3713699). Invitae Evidence Modeling of protein sequence and biophysical properties (such as structural, functional, and spatial information, amino acid conservation, physicochemical variation, residue mobility, and thermodynamic stability) indicates that this missense variant is not expected to disrupt LZTR1 protein function with a negative predictive value of 80%. In summary, the available evidence is currently insufficient to determine the role of this variant in disease. Therefore, it has been classified as a Variant of Uncertain Significance.

Ambry Genetics
Classification: Uncertain significance for Cardiovascular phenotype; Hereditary cancer-predisposing syndrome. Last evaluated: 2025-05-15. Review status: criteria provided, single submitter. Criteria: Ambry Variant Classification Scheme 2023. Collection method: clinical testing. Allele origin: germline.
Comment: The p.L96P variant (also known as c.287T>C), located in coding exon 3 of the LZTR1 gene, results from a T to C substitution at nucleotide position 287. The leucine at codon 96 is replaced by proline, an amino acid with similar properties. This amino acid position is conserved. In addition, this alteration is predicted to be deleterious by in silico analysis. Based on the available evidence, the clinical significance of this variant remains unclear.